The following is an entry in ClinVar:

NM_005159.5(ACTC1):c.957_959dup (p.Thr320dup)

Genes: GJD2-DT (GJD2 divergent transcript; plus strand), ACTC1 (actin alpha cardiac muscle 1; minus strand). Cytogenetic location: 15q14.
Variant type: Duplication.
Coding change: c.957_959dup on transcript NM_005159.5 (MANE Select); coding-DNA positions 957 to 959, 3 bases duplicated (CAC; older notation c.957_959dupCAC).
Protein change: p.Thr320dup; duplicates threonine 320.
Molecular consequence: inframe insertion.
Genome position (GRCh38, 1-based): chr15:34,791,145-34,791,147, GTG duplicated on the plus strand (CAC on the coding strand, the reverse complement: ACTC1 is on the minus strand). VCF-style (leftmost placement, unchanged base first): chr15-34791144-A-AGTG. GRCh37 (hg19) VCF-style: chr15-35083345-A-AGTG.
Other names: c.957_959dup (LRG_388t1).
Identifiers: ClinVar variation 652872 (VCV000652872.1), dbSNP rs1595760207, ClinGen allele CA915946507.

ClinVar aggregate classification (germline): Uncertain significance (1 of 4 stars; one submission).

Conditions:
Hypertrophic cardiomyopathy 11. Also called: ACTC1-Related Familial Hypertrophic Cardiomyopathy. Identifiers: MedGen C2677506, MONDO:0012799, OMIM 612098.
Dilated cardiomyopathy 1R (CMD1R). Identifiers: Orphanet 154, Orphanet 54260, MedGen C3150681, MONDO:0013261, OMIM 613424.
Atrial septal defect 5 (ASD5). Identifiers: Orphanet 1478, MedGen C2748552, MONDO:0013011, OMIM 612794.

Submission:

Labcorp Genetics (formerly Invitae), Labcorp
Classification: Uncertain significance for Dilated cardiomyopathy 1R; Familial hypertrophic cardiomyopathy 11; Atrial septal defect 5. Last evaluated: 2018-10-12. Review status: criteria provided, single submitter. Criteria: Invitae Variant Classification Sherloc (09022015). Collection method: clinical testing. Allele origin: germline.
Comment: This variant, c.957_959dupCAC, results in the insertion of 1 amino acid(s) to the ACTC1 protein (p.Thr320dup), but otherwise preserves the integrity of the reading frame. This variant is not present in population databases (ExAC no frequency). This variant has not been reported in the literature in individuals with ACTC1-related disease. Experimental studies and prediction algorithms are not available for this variant, and the functional significance of the affected amino acid(s) is currently unknown. In summary, the available evidence is currently insufficient to determine the role of this variant in disease. Therefore, it has been classified as a Variant of Uncertain Significance.